The following is an entry in ClinVar:

NM_145027.6(KIF6):c.187A>G (p.Ile63Val)

Gene: KIF6 (kinesin family member 6; minus strand). Cytogenetic location: 6p21.2.
Variant type: single nucleotide variant.
Coding change: c.187A>G on transcript NM_145027.6 (MANE Select); coding-DNA position 187, A replaced by G.
Protein change: p.Ile63Val; replaces isoleucine 63 with valine.
Molecular consequence: missense variant.
Genome position (GRCh38, 1-based): chr6:39,714,756, T>C on the plus strand (A>G on the coding strand, the complement: KIF6 is on the minus strand). VCF-style: chr6-39714756-T-C. GRCh37 (hg19) VCF-style: chr6-39682532-T-C.
Other names: c.187A>G, p.Ile63Val (NM_001289020.3, NM_001289021.3, NM_001351503.2); short protein forms I63V.
Identifiers: ClinVar variation 3035224 (VCV003035224.2), dbSNP rs34059104, ClinGen allele CA3794481.
Genomic context (GRCh38, chr6:39,714,756, plus strand): 5'-CAGCAACTGGTTTGGCAATGTTTTCAAAAACGGTCTCTTGGTTTGCATCCTGATCAAAAA[T>C]TCTTTGAAATCTGCAATGTGAAAAATAGTAATTATTTAAAAGCTGCACCTCCAAACACTA-3'
Protein context (NP_659464.3, residues 53-73): RESYKFKFQR[Ile63Val]FDQDANQETV

ClinVar aggregate classification (germline): Likely benign (0 of 4 stars; one submission).

Conditions:
KIF6-related disorder. Also called: KIF6-related condition.

Allele frequency attached by ClinVar (database versions not stated): gnomAD exomes 0.00013; ExAC 0.00036; 1000 Genomes Project 0.00100; ESP Exome Variant Server 0.00115; 1000 Genomes Project 30x 0.00125; gnomAD 0.00132; TOPMed 0.00134.
gnomAD v4.1: 406 of 1,610,634 alleles (0.025%); highest among the groups gnomAD compares: African/African-American, 0.49%; 1 homozygote.

Submission:

PreventionGenetics, part of Exact Sciences
Classification: Likely benign for KIF6-related condition. Last evaluated: 2022-07-25. Review status: no assertion criteria provided. Collection method: clinical testing. Allele origin: germline.
Comment: This variant is classified as likely benign based on ACMG/AMP sequence variant interpretation guidelines (Richards et al. 2015 PMID: 25741868, with internal and published modifications).